The following is an entry in ClinVar:

ClinVar aggregate classification (germline): Uncertain significance (1 of 4 stars; one submission).

Conditions:
PKD1-related disorder. Also called: PKD1-related condition.

gnomAD v4.1: 6 of 1,610,602 alleles (0.00037%); highest among the groups gnomAD compares: Non-Finnish European, 0.00051%; no homozygotes.

Submission:

PreventionGenetics, part of Exact Sciences
Classification: Uncertain significance for PKD1-related condition. Last evaluated: 2025-12-31. Review status: criteria provided, single submitter. Criteria: ACMG Guidelines, 2015. Collection method: clinical testing. Allele origin: germline.
Comment: The PKD1 c.4208G>A variant is predicted to result in the amino acid substitution p.Cys1403Tyr. To our knowledge, this variant has not been reported in the literature. This variant is reported in 0.00090% of alleles in individuals of European (Non-Finnish) descent in gnomAD. At this time, the clinical significance of this variant is uncertain due to the absence of conclusive functional and genetic evidence.

NM_001009944.3(PKD1):c.4208G>A (p.Cys1403Tyr)

Gene: PKD1 (polycystin 1, transient receptor potential channel interacting; minus strand). Cytogenetic location: 16p13.3.
Variant type: single nucleotide variant.
Coding change: c.4208G>A on transcript NM_001009944.3 (MANE Select); coding-DNA position 4208, G replaced by A.
Protein change: p.Cys1403Tyr; replaces cysteine 1403 with tyrosine.
Molecular consequence: missense variant.
Genome position (GRCh38, 1-based): chr16:2,110,959, C>T on the plus strand (G>A on the coding strand, the complement: PKD1 is on the minus strand). VCF-style: chr16-2110959-C-T. GRCh37 (hg19) VCF-style: chr16-2160960-C-T.
Other names: c.4208G>A, p.Cys1403Tyr (NM_000296.4); short protein forms C1403Y.
Identifiers: ClinVar variation 4981974 (VCV004981974.1).